The following is an entry in ClinVar:

ClinVar aggregate classification (germline): Uncertain significance. Review status: criteria provided, multiple submitters, no conflicts (2 of 4 stars). 3 submissions from 3 submitters: Uncertain significance (3). Last evaluated 2023-12-18.

Conditions:
Inborn genetic diseases. Identifiers: MedGen C0950123, MeSH D030342.
Dyskeratosis congenita. Identifiers: Orphanet 1775, MedGen C0265965, MONDO:0015780.

Allele frequency attached by ClinVar (database versions not stated): TOPMed below 0.00001; gnomAD exomes 0.00001.
gnomAD v4.1: 14 of 1,614,170 alleles (0.00087%); highest among the groups gnomAD compares: Middle Eastern, 0.016%; no homozygotes.

Submissions (3):

Labcorp Genetics (formerly Invitae), Labcorp
Classification: Uncertain significance for Dyskeratosis congenita. Last evaluated: 2023-12-18. Review status: criteria provided, single submitter. Criteria: Invitae Variant Classification Sherloc (09022015). Collection method: clinical testing. Allele origin: germline.
Comment: This sequence change replaces methionine, which is neutral and non-polar, with arginine, which is basic and polar, at codon 917 of the CTC1 protein (p.Met917Arg). This variant is not present in population databases (gnomAD no frequency). This variant has not been reported in the literature in individuals affected with CTC1-related conditions. ClinVar contains an entry for this variant (Variation ID: 972278). Algorithms developed to predict the effect of missense changes on protein structure and function output the following: SIFT: "Not Available"; PolyPhen-2: "Benign"; Align-GVGD: "Not Available". The arginine amino acid residue is found in multiple mammalian species, which suggests that this missense change does not adversely affect protein function. In summary, the available evidence is currently insufficient to determine the role of this variant in disease. Therefore, it has been classified as a Variant of Uncertain Significance.

Ambry Genetics
Classification: Uncertain significance for Inborn genetic diseases. Last evaluated: 2021-06-18. Review status: criteria provided, single submitter. Criteria: Ambry Variant Classification Scheme 2023. Collection method: clinical testing. Allele origin: germline.

Breakthrough Genomics
Classification: Uncertain significance. Review status: criteria provided, single submitter. Criteria: ACMG Guidelines, 2015. Collection method: not provided. Allele origin: germline. Inheritance: Autosomal recessive inheritance. Affected: yes.

NM_025099.6(CTC1):c.2750T>G (p.Met917Arg)

Gene: CTC1 (CST telomere replication complex component 1; minus strand). Cytogenetic location: 17p13.1.
Variant type: single nucleotide variant.
Coding change: c.2750T>G on transcript NM_025099.6 (MANE Select); coding-DNA position 2750, T replaced by G.
Protein change: p.Met917Arg; replaces methionine 917 with arginine.
Molecular consequence: missense variant. On other transcripts: non-coding transcript variant (1).
Genome position (GRCh38, 1-based): chr17:8,230,571, A>C on the plus strand (T>G on the coding strand, the complement: CTC1 is on the minus strand). VCF-style: chr17-8230571-A-C. GRCh37 (hg19) VCF-style: chr17-8133889-A-C.
Other names: short protein forms M917R.
Identifiers: ClinVar variation 972278 (VCV000972278.8), dbSNP rs1987130951, ClinGen allele CA397974489.
Genomic context (GRCh38, chr17:8,230,571, plus strand): 5'-CAAAGTCCCATCACTCTATTTCATACCTTCCCCACAAAGGAAGGGTCATTACCCAGTTTC[A>C]TCCAGAGAGACGCCACAAGGGGTTCACATAGTGTCCGTGACAAAATCTCAGCGGAGAAAG-3'
Protein context (NP_079375.3, residues 907-927): LCEPLVASLW[Met917Arg]KLGNTGAMRR